The following is an entry in ClinVar:

ClinVar aggregate classification (germline): Uncertain significance (1 of 4 stars; one submission).

Submission:

Labcorp Genetics (formerly Invitae), Labcorp
Classification: Uncertain significance. Last evaluated: 2024-05-04. Review status: criteria provided, single submitter. Criteria: Invitae Variant Classification Sherloc (09022015). Collection method: clinical testing. Allele origin: germline.
Comment: This sequence change replaces glycine, which is neutral and non-polar, with serine, which is neutral and polar, at codon 320 of the COL4A4 protein (p.Gly320Ser). This variant is not present in population databases (gnomAD no frequency). This variant has not been reported in the literature in individuals affected with COL4A4-related conditions. Advanced modeling of protein sequence and biophysical properties (such as structural, functional, and spatial information, amino acid conservation, physicochemical variation, residue mobility, and thermodynamic stability) has been performed at Invitae for this missense variant, however the output from this modeling did not meet the statistical confidence thresholds required to predict the impact of this variant on COL4A4 protein function. In summary, the available evidence is currently insufficient to determine the role of this variant in disease. Therefore, it has been classified as a Variant of Uncertain Significance.

NM_000092.5(COL4A4):c.958G>A (p.Gly320Ser)

Gene: COL4A4 (collagen type IV alpha 4 chain; minus strand). Cytogenetic location: 2q36.3.
Variant type: single nucleotide variant.
Coding change: c.958G>A on transcript NM_000092.5 (MANE Select); coding-DNA position 958, G replaced by A.
Protein change: p.Gly320Ser; replaces glycine 320 with serine.
Molecular consequence: missense variant.
Genome position (GRCh38, 1-based): chr2:227,101,882, C>T on the plus strand (G>A on the coding strand, the complement: COL4A4 is on the minus strand). VCF-style: chr2-227101882-C-T. GRCh37 (hg19) VCF-style: chr2-227966598-C-T.
Other names: short protein forms G320S.
Identifiers: ClinVar variation 2776999 (VCV002776999.3), dbSNP rs2475549683, ClinGen allele CA350856243.